The following is an entry in ClinVar:

ClinVar aggregate classification (germline): Conflicting classifications of pathogenicity. Review status: criteria provided, conflicting classifications (1 of 4 stars). 3 submissions from 3 submitters: Uncertain significance (2); Likely benign (1). Last evaluated 2025-09-02.

Conditions:
Usher syndrome type 2C. Also called: Usher syndrome, type 2B; USHER SYNDROME, TYPE IIC. Identifiers: Orphanet 231178, Orphanet 886, MedGen C2931213, MONDO:0011558, OMIM 605472.

Allele frequency attached by ClinVar (database versions not stated): TOPMed 0.00008; 1000 Genomes Project 30x 0.00016.
gnomAD v4.1: 213 of 1,613,752 alleles (0.013%); highest among the groups gnomAD compares: Non-Finnish European, 0.017%; no homozygotes.

Submissions (3):

Labcorp Genetics (formerly Invitae), Labcorp
Classification: Likely benign. Last evaluated: 2025-09-02. Review status: criteria provided, single submitter. Criteria: Invitae Variant Classification Sherloc (09022015). Collection method: clinical testing. Allele origin: germline.

Blueprint Genetics
Classification: Uncertain significance. Last evaluated: 2024-03-08. Review status: criteria provided, single submitter. Criteria: ACMG Guidelines, 2015. Collection method: clinical testing. Allele origin: germline.

Baylor Genetics
Classification: Uncertain significance for Usher syndrome type 2C. Last evaluated: 2018-05-14. Review status: criteria provided, single submitter. Criteria: ACMG Guidelines, 2015. Collection method: clinical testing. Allele origin: maternal. Affected: yes.
Comment: This variant was determined to be of uncertain significance according to ACMG Guidelines, 2015 [PMID:25741868].

NM_032119.4(ADGRV1):c.6017G>A (p.Gly2006Asp)

Gene: ADGRV1 (adhesion G protein-coupled receptor V1; plus strand). Cytogenetic location: 5q14.3.
Variant type: single nucleotide variant.
Coding change: c.6017G>A on transcript NM_032119.4 (MANE Select); coding-DNA position 6017, G replaced by A.
Protein change: p.Gly2006Asp; replaces glycine 2006 with aspartic acid.
Molecular consequence: missense variant. On other transcripts: non-coding transcript variant (1).
Genome position (GRCh38, 1-based): chr5:90,683,938, G>A. VCF-style: chr5-90683938-G-A. GRCh37 (hg19) VCF-style: chr5-89979755-G-A.
Other names: short protein forms G2006D.
Identifiers: ClinVar variation 942961 (VCV000942961.9), dbSNP rs768201036, ClinGen allele CA3339695.